The following is an entry in ClinVar:

ClinVar aggregate classification (germline): Uncertain significance (1 of 4 stars; one submission).

Conditions:
Emery-Dreifuss muscular dystrophy 5, autosomal dominant (EDMD5). Also called: EMERY-DREIFUSS MUSCULAR DYSTROPHY 5. Identifiers: Orphanet 261, MedGen C2751805, MONDO:0013072, OMIM 612999.

gnomAD v4.1: 1 of 1,614,026 alleles (0.000062%); highest among the groups gnomAD compares: Admixed American, 0.0017%; no homozygotes.

Submission:

Labcorp Genetics (formerly Invitae), Labcorp
Classification: Uncertain significance for Emery-Dreifuss muscular dystrophy 5, autosomal dominant. Last evaluated: 2024-03-05. Review status: criteria provided, single submitter. Criteria: Invitae Variant Classification Sherloc (09022015). Collection method: clinical testing. Allele origin: germline.
Comment: This sequence change replaces leucine, which is neutral and non-polar, with phenylalanine, which is neutral and non-polar, at codon 857 of the SYNE2 protein (p.Leu857Phe). This variant is not present in population databases (gnomAD no frequency). This variant has not been reported in the literature in individuals affected with SYNE2-related conditions. An algorithm developed to predict the effect of missense changes on protein structure and function (PolyPhen-2) suggests that this variant is likely to be tolerated. In summary, the available evidence is currently insufficient to determine the role of this variant in disease. Therefore, it has been classified as a Variant of Uncertain Significance.

NM_182914.3(SYNE2):c.2569C>T (p.Leu857Phe)

Gene: SYNE2 (spectrin repeat containing nuclear envelope protein 2; plus strand). Cytogenetic location: 14q23.2.
Variant type: single nucleotide variant.
Coding change: c.2569C>T on transcript NM_182914.3 (MANE Select); coding-DNA position 2569, C replaced by T.
Protein change: p.Leu857Phe; replaces leucine 857 with phenylalanine.
Molecular consequence: missense variant.
Genome position (GRCh38, 1-based): chr14:63,991,038, C>T. VCF-style: chr14-63991038-C-T. GRCh37 (hg19) VCF-style: chr14-64457756-C-T.
Other names: c.2569C>T, p.Leu857Phe (NM_015180.6); short protein forms L857F.
Identifiers: ClinVar variation 3605127 (VCV003605127.2).
Genomic context (GRCh38, chr14:63,991,038, plus strand): 5'-TTAACTGACGTTTCACCAGATTTGGACATCAGGCTGAAGATGGAAGAATCCCAGAAGGAA[C>T]TTGAATCATATATGATGAGGGCTCAGCAGTTACTGGGGCAAAGAGAGAGCCCCGGTGAAC-3'
Protein context (NP_878918.2, residues 847-867): RLKMEESQKE[Leu857Phe]ESYMMRAQQL